The following is an entry in ClinVar:

NM_203446.3(SYNJ1):c.3378TCC[1] (p.Pro1129del)

Gene: SYNJ1 (synaptojanin 1; minus strand). Cytogenetic location: 21q22.11.
Variant type: Microsatellite.
Coding change: c.3378TCC[1] on transcript NM_203446.3 (MANE Select); one copy of the 3-base unit TCC starting at c.3378; the reference has two copies in a row; one copy, 3 bases deleted.
Protein change: p.Pro1129del; deletes proline 1129.
Molecular consequence: inframe deletion. On other transcripts: inframe indel (2).
Genome position (GRCh38, 1-based): chr21:32,645,654-32,645,656, GGA deleted on the plus strand (TCC on the coding strand, the reverse complement: SYNJ1 is on the minus strand); deleting any 3 consecutive bases within chr21:32,645,654-32,645,661 gives the same sequence; the position shown is the placement nearest the transcript's 3' end. VCF-style (leftmost placement, unchanged base first): chr21-32645653-CGGA-C. GRCh37 (hg19) VCF-style: chr21-34017963-CGGA-C.
Other names: c.3376_3378CCT[1], p.Pro1129del (NM_001160302.2); c.3363TCC[1], p.Pro1124del (NM_001160306.2); c.3493_3495CCT[1], p.Pro1168del (NM_003895.4); short protein forms P1129del, P1124del, P1168del.
Identifiers: ClinVar variation 1432212 (VCV001432212.7), dbSNP rs2145775202, ClinGen allele CA2580616371.
Genomic context (GRCh38, chr21:32,645,653, plus strand): 5'-AAATAGAGTGAAGAATTTTACATCTAGCAGAAATGGAAATAAAAGGTTGTCACCTGAAGG[CGGA>C]GGAGGTCTCTGTGGGGGAGCCGGGCGTGTGGGAGGGGCGACCGGGCGGGGCGGCGGCGGC-3'

ClinVar aggregate classification (germline): Uncertain significance (1 of 4 stars; one submission).

Conditions:
Developmental and epileptic encephalopathy, 53. Also called: Epileptic encephalopathy, early infantile, 53. Identifiers: MedGen C4479313, MONDO:0033362, OMIM 617389.
Early-onset Parkinson disease 20. Also called: PARKINSON DISEASE 20, AUTOSOMAL RECESSIVE EARLY-ONSET. Identifiers: Orphanet 391411, MedGen C3809824, MONDO:0014233, OMIM 615530.

Submission:

Labcorp Genetics (formerly Invitae), Labcorp
Classification: Uncertain significance for Developmental and epileptic encephalopathy, 53; Early-onset Parkinson disease 20. Last evaluated: 2022-03-19. Review status: criteria provided, single submitter. Criteria: Invitae Variant Classification Sherloc (09022015). Collection method: clinical testing. Allele origin: germline.
Comment: This variant is not present in population databases (gnomAD no frequency). This variant, c.3498_3500del, results in the deletion of 1 amino acid(s) of the SYNJ1 protein (p.Pro1168del), but otherwise preserves the integrity of the reading frame. This variant has not been reported in the literature in individuals affected with SYNJ1-related conditions. Experimental studies and prediction algorithms are not available or were not evaluated, and the functional significance of this variant is currently unknown. In summary, the available evidence is currently insufficient to determine the role of this variant in disease. Therefore, it has been classified as a Variant of Uncertain Significance.